The following is an entry in ClinVar:

NM_001114753.3(ENG):c.1036C>T (p.Pro346Ser)

Gene: ENG (endoglin; minus strand). Cytogenetic location: 9q34.11.
Variant type: single nucleotide variant.
Coding change: c.1036C>T on transcript NM_001114753.3 (MANE Select); coding-DNA position 1036, C replaced by T.
Protein change: p.Pro346Ser; replaces proline 346 with serine.
Molecular consequence: missense variant.
Genome position (GRCh38, 1-based): chr9:127,824,402, G>A on the plus strand (C>T on the coding strand, the complement: ENG is on the minus strand). VCF-style: chr9-127824402-G-A. GRCh37 (hg19) VCF-style: chr9-130586681-G-A.
Other names: c.1036C>T, p.Pro346Ser (NM_000118.4, NM_001406715.1); c.490C>T, p.Pro164Ser (NM_001278138.2); short protein forms P346S, P164S.
Identifiers: ClinVar variation 528064 (VCV000528064.10), dbSNP rs1554810062, ClinGen allele CA374981658.

ClinVar aggregate classification (germline): Uncertain significance (1 of 4 stars; one submission).

Conditions:
Hereditary hemorrhagic telangiectasia (HHT). Also called: Osler hemorrhagic telangiectasia syndrome; ORW DISEASE; Osler Weber Rendu syndrome; OSLER-RENDU-WEBER DISEASE. Identifiers: Orphanet 774, MedGen C0039445, MONDO:0019180. Disease mechanism: loss of function.

Submission:

Labcorp Genetics (formerly Invitae), Labcorp
Classification: Uncertain significance for Hereditary hemorrhagic telangiectasia. Last evaluated: 2017-11-15. Review status: criteria provided, single submitter. Criteria: Invitae Variant Classification Sherloc (09022015). Collection method: clinical testing. Allele origin: germline.
Comment: In summary, the available evidence is currently insufficient to determine the role of this variant in disease. Therefore, it has been classified as a Variant of Uncertain Significance. Algorithms developed to predict the effect of missense changes on protein structure and function output the following: SIFT: "Deleterious"; PolyPhen-2: "Benign"; Align-GVGD: "Class C0". The serine amino acid residue is found in multiple mammalian species, suggesting that this missense change does not adversely affect protein function. These predictions have not been confirmed by published functional studies and their clinical significance is uncertain. This variant has not been reported in the literature in individuals with ENG-related disease. This variant is not present in population databases (ExAC no frequency). This sequence change replaces proline with serine at codon 346 of the ENG protein (p.Pro346Ser). The proline residue is moderately conserved and there is a moderate physicochemical difference between proline and serine.